The following is an entry in ClinVar:

ClinVar aggregate classification (germline): Uncertain significance. Review status: criteria provided, single submitter (1 of 4 stars). 2 submissions from 2 submitters: Uncertain significance (1). 1 of the submissions does not count toward it. Last evaluated 2021-06-07.

Conditions:
RPS24-related disorder. Also called: RPS24-related condition.

gnomAD v4.1: 31 of 1,546,946 alleles (0.002%); highest among the groups gnomAD compares: Non-Finnish European, 0.0027%; no homozygotes.

Submissions (2):

Blueprint Genetics
Classification: Uncertain significance. Last evaluated: 2021-06-07. Review status: criteria provided, single submitter. Criteria: ACMG Guidelines, 2015. Collection method: clinical testing. Allele origin: germline.

PreventionGenetics, part of Exact Sciences
Classification: Uncertain significance for RPS24-related condition. Last evaluated: 2024-03-18. Review status: no assertion criteria provided. Collection method: clinical testing. Allele origin: germline. Not counted in ClinVar's aggregate classification.
Comment: The RPS24 c.422T>C variant is predicted to result in the amino acid substitution p.Leu141Ser. To our knowledge, this variant has not been reported in the literature. This variant is reported in 0.0017% of alleles in individuals of European (Non-Finnish) descent in gnomAD. At this time, the clinical significance of this variant is uncertain due to the absence of conclusive functional and genetic evidence.

NM_001142285.2(RPS24):c.422T>C (p.Leu141Ser)

Gene: RPS24 (ribosomal protein S24; plus strand). Cytogenetic location: 10q22.3.
Variant type: single nucleotide variant.
Coding change: c.422T>C on transcript NM_001142285.2; coding-DNA position 422, T replaced by C.
Protein change: p.Leu141Ser; replaces leucine 141 with serine.
Molecular consequence: missense variant.
Genome position (GRCh38, 1-based): chr10:78,054,562, T>C. VCF-style: chr10-78054562-T-C. GRCh37 (hg19) VCF-style: chr10-79814320-T-C.
Other names: short protein forms L141S.
Identifiers: ClinVar variation 3353299 (VCV003353299.2).
Genomic context (GRCh38, chr10:78,054,562, plus strand): 5'-AGACTATTCTCTCCTTCCCGCTTTTGCAGATGAGGGAATTGGGGCTTGGAGTGCAAGCAT[T>C]GGGAAGAATTTCCCAGGAAGAGAGATGCACAGATGTGAAGAACTCGAAGGCAAGAGAAAG-3'